The following is an entry in ClinVar:

NM_001038.6(SCNN1A):c.339C>T (p.Pro113=)

Gene: SCNN1A (sodium channel epithelial 1 subunit alpha; minus strand). Cytogenetic location: 12p13.31.
Variant type: single nucleotide variant.
Coding change: c.339C>T on transcript NM_001038.6 (MANE Select); coding-DNA position 339, C replaced by T.
Protein change: p.Pro113=; no amino-acid change (proline 113 retained).
Molecular consequence: synonymous variant.
Genome position (GRCh38, 1-based): chr12:6,374,445, G>A on the plus strand (C>T on the coding strand, the complement: SCNN1A is on the minus strand). VCF-style: chr12-6374445-G-A. GRCh37 (hg19) VCF-style: chr12-6483611-G-A.
Other names: c.408C>T, p.Pro136= (NM_001159575.2); c.516C>T, p.Pro172= (NM_001159576.2).
Identifiers: ClinVar variation 723512 (VCV000723512.7), dbSNP rs770329720, ClinGen allele CA6406253.

ClinVar aggregate classification (germline): Likely benign. Review status: criteria provided, single submitter (1 of 4 stars). 2 submissions from 2 submitters: Likely benign (1). 1 of the submissions does not count toward it. Last evaluated 2025-08-18.

Conditions:
SCNN1A-related disorder. Also called: SCNN1A-related condition; SCNN1A-related disorders.

Allele frequency attached by ClinVar (database versions not stated): ExAC 0.00001; TOPMed 0.00002; gnomAD exomes 0.00003.

Submissions (2):

Labcorp Genetics (formerly Invitae), Labcorp
Classification: Likely benign. Last evaluated: 2025-08-18. Review status: criteria provided, single submitter. Criteria: Invitae Variant Classification Sherloc (09022015). Collection method: clinical testing. Allele origin: germline.

PreventionGenetics, part of Exact Sciences
Classification: Likely benign for SCNN1A-related condition. Last evaluated: 2019-04-05. Review status: no assertion criteria provided. Collection method: clinical testing. Allele origin: germline. Not counted in ClinVar's aggregate classification.
Comment: This variant is classified as likely benign based on ACMG/AMP sequence variant interpretation guidelines (Richards et al. 2015 PMID: 25741868, with internal and published modifications).